The following is an entry in ClinVar:

ClinVar aggregate classification (germline): Uncertain significance (1 of 4 stars; one submission).

Submission:

Ambry Genetics
Classification: Uncertain significance. Last evaluated: 2025-10-01. Review status: criteria provided, single submitter. Criteria: Ambry Variant Classification Scheme 2023. Collection method: clinical testing. Allele origin: germline.
Comment: The p.C123F variant (also known as c.368G>T), located in coding exon 3 of the GEN1 gene, results from a G to T substitution at nucleotide position 368. The cysteine at codon 123 is replaced by phenylalanine, an amino acid with highly dissimilar properties. This amino acid position is conserved. In addition, this alteration is predicted to be tolerated by in silico analysis. Based on the available evidence, the clinical significance of this variant remains unclear.

NM_001130009.3(GEN1):c.368G>T (p.Cys123Phe)

Gene: GEN1 (GEN1 structure-specific endonuclease; plus strand). Cytogenetic location: 2p24.2.
Variant type: single nucleotide variant.
Coding change: c.368G>T on transcript NM_001130009.3 (MANE Select); coding-DNA position 368, G replaced by T.
Protein change: p.Cys123Phe; replaces cysteine 123 with phenylalanine.
Molecular consequence: missense variant.
Genome position (GRCh38, 1-based): chr2:17,764,916, G>T. VCF-style: chr2-17764916-G-T. GRCh37 (hg19) VCF-style: chr2-17946183-G-T.
Other names: c.368G>T, p.Cys123Phe (NM_182625.5); short protein forms C123F.
Identifiers: ClinVar variation 4671456 (VCV004671456.1).